The following is an entry in ClinVar:

ClinVar aggregate classification (germline): Uncertain significance. Review status: criteria provided, multiple submitters, no conflicts (2 of 4 stars). 2 submissions from 2 submitters: Uncertain significance (2). Last evaluated 2026-09-16.

Conditions:
ACOX1-related disorder. Also called: ACOX1-related disorders; ACOX1-related condition.
Acyl-CoA oxidase deficiency. Also called: STRAIGHT-CHAIN ACYL-CoA OXIDASE DEFICIENCY; Pseudoneonatal adrenoleukodystrophy; Peroxisomal acyl-CoA oxidase deficiency. Identifiers: Orphanet 2971, MedGen C1849678, MONDO:0009919, OMIM 264470. Disease mechanism: loss of function.

Allele frequency attached by ClinVar (database versions not stated): gnomAD exomes below 0.00001 and 0.00001; ExAC 0.00001; gnomAD 0.00002; TOPMed 0.00002.
gnomAD v4.1: 5 of 1,614,102 alleles (0.00031%); highest among the groups gnomAD compares: African/African-American, 0.0013%; no homozygotes.

Submissions (2):

PreventionGenetics, part of Exact Sciences
Classification: Uncertain significance for ACOX1-related condition. Last evaluated: 2026-09-16. Review status: criteria provided, single submitter. Criteria: ACMG Guidelines, 2015. Collection method: clinical testing. Allele origin: germline.
Comment: The ACOX1 c.361G>A variant is predicted to result in the amino acid substitution p.Glu121Lys. To our knowledge, this variant has not been reported in the literature. This variant is reported in 0.0018% of alleles in individuals of European (Non-Finnish) descent in gnomAD. At this time, the clinical significance of this variant is uncertain due to the absence of conclusive functional and genetic evidence.

Labcorp Genetics (formerly Invitae), Labcorp
Classification: Uncertain significance for Acyl-CoA oxidase deficiency. Last evaluated: 2025-03-24. Review status: criteria provided, single submitter. Criteria: Invitae Variant Classification Sherloc (09022015). Collection method: clinical testing. Allele origin: germline.
Comment: This sequence change replaces glutamic acid, which is acidic and polar, with lysine, which is basic and polar, at codon 121 of the ACOX1 protein (p.Glu121Lys). This variant is present in population databases (rs764762697, gnomAD 0.002%). This variant has not been reported in the literature in individuals affected with ACOX1-related conditions. ClinVar contains an entry for this variant (Variation ID: 1422845). Invitae Evidence Modeling of protein sequence and biophysical properties (such as structural, functional, and spatial information, amino acid conservation, physicochemical variation, residue mobility, and thermodynamic stability) indicates that this missense variant is not expected to disrupt ACOX1 protein function with a negative predictive value of 80%. In summary, the available evidence is currently insufficient to determine the role of this variant in disease. Therefore, it has been classified as a Variant of Uncertain Significance.

NM_004035.7(ACOX1):c.361G>A (p.Glu121Lys)

Gene: ACOX1 (acyl-CoA oxidase 1; minus strand). Cytogenetic location: 17q25.1.
Variant type: single nucleotide variant.
Coding change: c.361G>A on transcript NM_004035.7 (MANE Select); coding-DNA position 361, G replaced by A.
Protein change: p.Glu121Lys; replaces glutamic acid 121 with lysine.
Molecular consequence: missense variant. On other transcripts: intron variant (1).
Genome position (GRCh38, 1-based): chr17:75,960,284, C>T on the plus strand (G>A on the coding strand, the complement: ACOX1 is on the minus strand). VCF-style: chr17-75960284-C-T. GRCh37 (hg19) VCF-style: chr17-73956365-C-T.
Other names: c.247G>A, p.Glu83Lys (NM_001185039.2); c.431-2718G>A (NM_007292.6); c.361G>A (NM_004035.6); short protein forms E83K, E121K.
Identifiers: ClinVar variation 1422845 (VCV001422845.7), dbSNP rs764762697, ClinGen allele CA8777043.
Genomic context (GRCh38, chr17:75,960,284, plus strand): 5'-TCTCTGTCTGGGCATAAGTGCCAATGATCTCCAAGTTCCAGGCGGGCATGAAGAAGCGCT[C>T]CTGCTGCTCCGCAGTTGCCTGGTGAAGCAAGGTGGGCAGGAACATGCCCAAGTGAAGATC-3'
Protein context (NP_004026.2, residues 111-131): LLHQATAEQQ[Glu121Lys]RFFMPAWNLE